The following is an entry in ClinVar:

NM_170707.4(LMNA):c.1532A>G (p.Asp511Gly)

Gene: LMNA (lamin A/C; plus strand). Cytogenetic location: 1q22.
Variant type: single nucleotide variant.
Coding change: c.1532A>G on transcript NM_170707.4 (MANE Select); coding-DNA position 1532, A replaced by G.
Protein change: p.Asp511Gly; replaces aspartic acid 511 with glycine.
Molecular consequence: missense variant.
Genome position (GRCh38, 1-based): chr1:156,137,156, A>G. VCF-style: chr1-156137156-A-G. GRCh37 (hg19) VCF-style: chr1-156106947-A-G.
Other names: c.1196A>G, p.Asp399Gly (NM_001257374.3); c.1289A>G, p.Asp430Gly (NM_001282624.2); c.1532A>G, p.Asp511Gly (NM_001282625.2, NM_001282626.2, NM_005572.4 and 1 more transcripts); short protein forms D399G, D430G, D511G.
Identifiers: ClinVar variation 1314851 (VCV001314851.2), dbSNP rs2102895367, ClinGen allele CA342823192.

ClinVar aggregate classification (germline): Uncertain significance (1 of 4 stars; one submission).

Submission:

GeneDx
Classification: Uncertain significance. Last evaluated: 2021-04-12. Review status: criteria provided, single submitter. Criteria: GeneDx Variant Classification Process June 2021. Collection method: clinical testing. Allele origin: germline. Affected: yes.
Comment: Not observed in large population cohorts (Lek et al., 2016); In silico analysis supports that this missense variant has a deleterious effect on protein structure/function; Has not been previously published as pathogenic or benign to our knowledge